The following is an entry in ClinVar:

NM_015634.4(KIFBP):c.1645C>T (p.Arg549Ter)

Gene: KIFBP (kinesin family binding protein; plus strand). Cytogenetic location: 10q22.1.
Variant type: single nucleotide variant.
Coding change: c.1645C>T on transcript NM_015634.4 (MANE Select); coding-DNA position 1645, C replaced by T.
Protein change: p.Arg549Ter; replaces arginine 549 with a stop codon.
Molecular consequence: nonsense.
Genome position (GRCh38, 1-based): chr10:69,016,195, C>T. VCF-style: chr10-69016195-C-T. GRCh37 (hg19) VCF-style: chr10-70775951-C-T.
Other names: short protein forms R549*.
Identifiers: ClinVar variation 596858 (VCV000596858.6), dbSNP rs906050638, ClinGen allele CA209208270.

ClinVar aggregate classification (germline): Conflicting classifications of pathogenicity. Review status: criteria provided, conflicting classifications (1 of 4 stars). 2 submissions from 2 submitters: Likely pathogenic (1); Uncertain significance (1). Last evaluated 2022-05-22.

Conditions:
Goldberg-Shprintzen syndrome. Identifiers: Orphanet 66629, MedGen C1836123, MONDO:0012280, OMIM 609460.

Allele frequency attached by ClinVar (database versions not stated): gnomAD exomes 0.00001; TOPMed 0.00001.
gnomAD v4.1: 3 of 1,613,274 alleles (0.00019%); highest among the groups gnomAD compares: African/African-American, 0.0013%; no homozygotes.

Submissions (2):

3billion
Classification: Likely pathogenic for Goldberg-Shprintzen syndrome. Last evaluated: 2022-05-22. Review status: criteria provided, single submitter. Criteria: ACMG Guidelines, 2015. Collection method: clinical testing. Allele origin: germline. Affected: yes. Observed: 1 homozygote.
Comment: The variant is not observed in the gnomAD v2.1.1 dataset. Stop-gained (nonsense): predicted to result in a loss or disruption of normal protein function through protein truncation. The predicted truncated protein may be shortened by more than 10%. Therefore, this variant is classified as likely pathogenic according to the recommendation of ACMG/AMP guideline.

Eurofins Ntd Llc (ga)
Classification: Uncertain significance. Last evaluated: 2018-04-23. Review status: criteria provided, single submitter. Criteria: EGL ClinVar v180209 classification definitions. Collection method: clinical testing. Allele origin: germline. Observed: 1 variant allele, 1 heterozygote.